The following is an entry in ClinVar:

NM_019074.4(DLL4):c.1254G>A (p.Leu418=)

Gene: DLL4 (delta like canonical Notch ligand 4; plus strand). Cytogenetic location: 15q15.1.
Variant type: single nucleotide variant.
Coding change: c.1254G>A on transcript NM_019074.4 (MANE Select); coding-DNA position 1254, G replaced by A.
Protein change: p.Leu418=; no amino-acid change (leucine 418 retained).
Molecular consequence: synonymous variant.
Genome position (GRCh38, 1-based): chr15:40,936,241, G>A. VCF-style: chr15-40936241-G-A. GRCh37 (hg19) VCF-style: chr15-41228439-G-A.
Identifiers: ClinVar variation 3061616 (VCV003061616.2), dbSNP rs1892842210, ClinGen allele CA489982611.

ClinVar aggregate classification (germline): Likely benign (0 of 4 stars; one submission).

Conditions:
DLL4-related disorder. Also called: DLL4-related condition.

Allele frequency attached by ClinVar (database versions not stated): TOPMed 0.00001.

Submission:

PreventionGenetics, part of Exact Sciences
Classification: Likely benign for DLL4-related condition. Last evaluated: 2022-01-10. Review status: no assertion criteria provided. Collection method: clinical testing. Allele origin: germline.
Comment: This variant is classified as likely benign based on ACMG/AMP sequence variant interpretation guidelines (Richards et al. 2015 PMID: 25741868, with internal and published modifications).